The following is an entry in ClinVar:

NM_001447.3(FAT2):c.2887G>A (p.Val963Ile)

Gene: FAT2 (FAT atypical cadherin 2; minus strand). Cytogenetic location: 5q33.1.
Variant type: single nucleotide variant.
Coding change: c.2887G>A on transcript NM_001447.3 (MANE Select); coding-DNA position 2887, G replaced by A.
Protein change: p.Val963Ile; replaces valine 963 with isoleucine.
Molecular consequence: missense variant.
Genome position (GRCh38, 1-based): chr5:151,566,045, C>T on the plus strand (G>A on the coding strand, the complement: FAT2 is on the minus strand). VCF-style: chr5-151566045-C-T. GRCh37 (hg19) VCF-style: chr5-150945606-C-T.
Other names: short protein forms V963I.
Identifiers: ClinVar variation 3608459 (VCV003608459.2).
Genomic context (GRCh38, chr5:151,566,045, plus strand): 5'-GAATGAGCGCCCCTGTCATCAGGTCCACCCGGAAGGTCCCATGGGCGCCATCCATCAGAA[C>T]ATATCGCACTTCACCTGCGGGGCCCAGGTCAGGATCAGAGGCATCCAGAAATGTCAAGAC-3'
Protein context (NP_001438.1, residues 953-973): DLGPAGEVRY[Val963Ile]LMDGAHGTFR

ClinVar aggregate classification (germline): Uncertain significance (1 of 4 stars; one submission).

gnomAD v4.1: 14 of 1,614,046 alleles (0.00087%); highest among the groups gnomAD compares: African/African-American, 0.0053%; no homozygotes.

Submission:

Labcorp Genetics (formerly Invitae), Labcorp
Classification: Uncertain significance. Last evaluated: 2024-07-13. Review status: criteria provided, single submitter. Criteria: Invitae Variant Classification Sherloc (09022015). Collection method: clinical testing. Allele origin: germline.
Comment: This sequence change replaces valine, which is neutral and non-polar, with isoleucine, which is neutral and non-polar, at codon 963 of the FAT2 protein (p.Val963Ile). This variant is present in population databases (rs778941556, gnomAD 0.008%). This variant has not been reported in the literature in individuals affected with FAT2-related conditions. Advanced modeling of protein sequence and biophysical properties (such as structural, functional, and spatial information, amino acid conservation, physicochemical variation, residue mobility, and thermodynamic stability) performed at Invitae indicates that this missense variant is not expected to disrupt FAT2 protein function with a negative predictive value of 80%. In summary, the available evidence is currently insufficient to determine the role of this variant in disease. Therefore, it has been classified as a Variant of Uncertain Significance.